The following is an entry in ClinVar:

NM_000094.4(COL7A1):c.3446A>G (p.Asp1149Gly)

Gene: COL7A1 (collagen type VII alpha 1 chain; minus strand). Cytogenetic location: 3p21.31.
Variant type: single nucleotide variant.
Coding change: c.3446A>G on transcript NM_000094.4 (MANE Select); coding-DNA position 3446, A replaced by G.
Protein change: p.Asp1149Gly; replaces aspartic acid 1149 with glycine.
Molecular consequence: missense variant.
Genome position (GRCh38, 1-based): chr3:48,586,436, T>C on the plus strand (A>G on the coding strand, the complement: COL7A1 is on the minus strand). VCF-style: chr3-48586436-T-C. GRCh37 (hg19) VCF-style: chr3-48623869-T-C.
Other names: short protein forms D1149G.
Identifiers: ClinVar variation 377739 (VCV000377739.1), dbSNP rs1057520274, ClinGen allele CA16604620.

ClinVar aggregate classification (germline): Likely benign (1 of 4 stars; one submission).

Submission:

GeneDx
Classification: Likely benign. Last evaluated: 2016-08-10. Review status: criteria provided, single submitter. Criteria: GeneDx Variant Classification (06012015). Collection method: clinical testing. Allele origin: germline. Affected: yes.
Comment: This variant is considered likely benign or benign based on one or more of the following criteria: it is a conservative change, it occurs at a poorly conserved position in the protein, it is predicted to be benign by multiple in silico algorithms, and/or has population frequency not consistent with disease.